The following is an entry in ClinVar:

ClinVar aggregate classification (germline): Pathogenic/Likely pathogenic. Review status: criteria provided, multiple submitters, no conflicts (2 of 4 stars). 2 submissions from 2 submitters: Pathogenic (1); Likely pathogenic (1). Last evaluated 2025-01-28.

Conditions:
Autosomal recessive polycystic kidney disease (ARPKD). Also called: AR polycystic kidney disease. Identifiers: Orphanet 731, Orphanet 8378, MedGen C0085548, MeSH D017044, MONDO:0009889.
Polycystic kidney disease 4 (PKD4). Also called: Autosomal Recessive Polycystic Kidney Disease – PKHD1; POLYCYSTIC KIDNEY AND HEPATIC DISEASE 1; POLYCYSTIC KIDNEY DISEASE, INFANTILE, TYPE I; POLYCYSTIC KIDNEY DISEASE 4 WITH OR WITHOUT POLYCYSTIC LIVER DISEASE; PKD3. Identifiers: MedGen C4540575, MONDO:0033004, OMIM 263200.

Submissions (2):

Natera, Inc.
Classification: Likely pathogenic for Autosomal recessive polycystic kidney disease. Last evaluated: 2025-01-28. Review status: criteria provided, single submitter. Criteria: Natera Variant Classification Schema (03/2026). Collection method: clinical testing. Allele origin: germline.
Comment: The c.7314delT variant in PKHD1 is a frameshift variant predicted to shift the reading frame beginning at codon 2439 and leads to a stop codon 29 codons downstream. This variant is expected to result in nonsense mediated decay, truncation, or a dysfunctional protein product. This variant is rare in the general population with a frequency below the threshold expected for the associated phenotype(s). Given the available evidence, this variant is classified as Likely Pathogenic.

Myriad Genetics, Inc.
Classification: Pathogenic for Polycystic kidney disease 4. Last evaluated: 2024-03-20. Review status: criteria provided, single submitter. Criteria: Myriad Autosomal Dominant, Autosomal Recessive and X-Linked Classification Criteria (2023). Collection method: clinical testing. Allele origin: unknown.
Comment: NM_138694.3(PKHD1):c.7314delT(T2439Lfs*29) is expected to be pathogenic in the context of autosomal recessive polycystic kidney disease, PKHD1-related. This variant is predicted to lead to an abnormal or absent protein product due to the creation of a premature termination codon in PKHD1, a gene where loss-of-function variants are known to be pathogenic. Please note: this variant was assessed in the context of healthy population screening.

NM_138694.4(PKHD1):c.7314del (p.Thr2439fs)

Gene: PKHD1 (PKHD1 ciliary IPT domain containing fibrocystin/polyductin; minus strand). Cytogenetic location: 6p12.2.
Variant type: Deletion.
Coding change: c.7314del on transcript NM_138694.4 (MANE Select); coding-DNA position 7314, one base deleted (T; older notation c.7314delT).
Protein change: p.Thr2439fs; shifts the reading frame from threonine 2439.
Molecular consequence: frameshift variant.
Genome position (GRCh38, 1-based): chr6:51,883,129, A deleted on the plus strand (T on the coding strand, the reverse complement: PKHD1 is on the minus strand); the first of 2 consecutive A bases (chr6:51,883,129-51,883,130); deleting either gives the same sequence. VCF-style (leftmost placement, unchanged base first): chr6-51883128-TA-T. GRCh37 (hg19) VCF-style: chr6-51747926-TA-T.
Other names: c.7314del, p.Thr2439fs (NM_170724.3); short protein forms T2439fs.
Identifiers: ClinVar variation 4816740 (VCV004816740.2).